The following is an entry in ClinVar:

NM_014305.4(TGDS):c.329G>C (p.Arg110Pro)

Gene: TGDS (TDP-glucose 4,6-dehydratase; minus strand). Cytogenetic location: 13q32.1.
Variant type: single nucleotide variant.
Coding change: c.329G>C on transcript NM_014305.4 (MANE Select); coding-DNA position 329, G replaced by C.
Protein change: p.Arg110Pro; replaces arginine 110 with proline.
Molecular consequence: missense variant. On other transcripts: non-coding transcript variant (2).
Genome position (GRCh38, 1-based): chr13:94,583,221, C>G on the plus strand (G>C on the coding strand, the complement: TGDS is on the minus strand). VCF-style: chr13-94583221-C-G. GRCh37 (hg19) VCF-style: chr13-95235475-C-G.
Other names: c.233G>C, p.Arg78Pro (NM_001304430.2); short protein forms R110P, R78P.
Identifiers: ClinVar variation 3364272 (VCV003364272.1).

ClinVar aggregate classification (germline): Uncertain significance (1 of 4 stars; one submission).

Submission:

GeneDx
Classification: Uncertain significance. Last evaluated: 2023-11-18. Review status: criteria provided, single submitter. Criteria: GeneDx Variant Classification Process June 2021. Collection method: clinical testing. Allele origin: germline. Affected: yes.
Comment: Not observed at significant frequency in large population cohorts (gnomAD); In silico analysis supports that this missense variant does not alter protein structure/function; Has not been previously published as pathogenic or benign to our knowledge